The following is an entry in ClinVar:

NM_006612.6(KIF1C):c.224G>A (p.Arg75Gln)

Gene: KIF1C (kinesin family member 1C; plus strand). Cytogenetic location: 17p13.2.
Variant type: single nucleotide variant.
Coding change: c.224G>A on transcript NM_006612.6 (MANE Select); coding-DNA position 224, G replaced by A.
Protein change: p.Arg75Gln; replaces arginine 75 with glutamine.
Molecular consequence: missense variant.
Genome position (GRCh38, 1-based): chr17:5,001,262, G>A. VCF-style: chr17-5001262-G-A. GRCh37 (hg19) VCF-style: chr17-4904557-G-A.
Other names: p.Arg75Gln; short protein forms R75Q.
Identifiers: ClinVar variation 4542117 (VCV004542117.1).

ClinVar aggregate classification (germline): Uncertain significance (1 of 4 stars; one submission).

Submission:

Mayo Clinic Laboratories, Mayo Clinic
Classification: Uncertain significance. Last evaluated: 2025-10-09. Review status: criteria provided, single submitter. Criteria: ACMG Guidelines, 2015. Collection method: clinical testing. Allele origin: germline. Observed: 1 variant allele.
Comment: BP4_moderate